The following is an entry in ClinVar:

NM_020433.5(JPH2):c.1732C>A (p.Pro578Thr)

Gene: JPH2 (junctophilin 2; minus strand). Cytogenetic location: 20q13.12.
Variant type: single nucleotide variant.
Coding change: c.1732C>A on transcript NM_020433.5 (MANE Select); coding-DNA position 1732, C replaced by A.
Protein change: p.Pro578Thr; replaces proline 578 with threonine.
Molecular consequence: missense variant.
Genome position (GRCh38, 1-based): chr20:44,115,943, G>T on the plus strand (C>A on the coding strand, the complement: JPH2 is on the minus strand). VCF-style: chr20-44115943-G-T. GRCh37 (hg19) VCF-style: chr20-42744583-G-T.
Other names: short protein forms P578T.
Identifiers: ClinVar variation 1002787 (VCV001002787.11), dbSNP rs746846724, ClinGen allele CA9868625.

ClinVar aggregate classification (germline): Uncertain significance. Review status: criteria provided, multiple submitters, no conflicts (2 of 4 stars). 3 submissions from 3 submitters: Uncertain significance (3). Last evaluated 2023-10-08.

Conditions:
Cardiomyopathy, dilated, 2E. Identifiers: MedGen C5561970, MONDO:0030366, OMIM 619492.
Hypertrophic cardiomyopathy 17. Identifiers: MedGen C3151264, MONDO:0013474, OMIM 613873.
Cardiovascular phenotype. Identifiers: MedGen CN230736.
Hypertrophic cardiomyopathy. Also called: HYPERTROPHIC MYOCARDIOPATHY. Identifiers: Orphanet 217569, MedGen C0007194, MeSH D002312, MONDO:0005045, HP:0001639.

Allele frequency attached by ClinVar (database versions not stated): ExAC 0.00005; gnomAD 0.00009 and 0.00010; TOPMed 0.00010.
gnomAD v4.1: 19 of 1,568,452 alleles (0.0012%); highest among the groups gnomAD compares: African/African-American, 0.023%; no homozygotes.

Submissions (3):

Labcorp Genetics (formerly Invitae), Labcorp
Classification: Uncertain significance for Hypertrophic cardiomyopathy. Last evaluated: 2023-10-08. Review status: criteria provided, single submitter. Criteria: Invitae Variant Classification Sherloc (09022015). Collection method: clinical testing. Allele origin: germline.
Comment: This sequence change replaces proline, which is neutral and non-polar, with threonine, which is neutral and polar, at codon 578 of the JPH2 protein (p.Pro578Thr). The frequency data for this variant in the population databases is considered unreliable, as metrics indicate poor data quality at this position in the gnomAD database. This variant has not been reported in the literature in individuals affected with JPH2-related conditions. ClinVar contains an entry for this variant (Variation ID: 1002787). An algorithm developed to predict the effect of missense changes on protein structure and function (PolyPhen-2) suggests that this variant is likely to be tolerated. In summary, the available evidence is currently insufficient to determine the role of this variant in disease. Therefore, it has been classified as a Variant of Uncertain Significance.

Ambry Genetics
Classification: Uncertain significance for Cardiovascular phenotype. Last evaluated: 2022-01-25. Review status: criteria provided, single submitter. Criteria: Ambry Variant Classification Scheme 2023. Collection method: clinical testing. Allele origin: germline.
Comment: The p.P578T variant (also known as c.1732C>A), located in coding exon 4 of the JPH2 gene, results from a C to A substitution at nucleotide position 1732. The proline at codon 578 is replaced by threonine, an amino acid with highly similar properties. This amino acid position is well conserved in available vertebrate species; however, threonine is the reference amino acid in other vertebrate species. In addition, this alteration is predicted to be tolerated by in silico analysis. Since supporting evidence is limited at this time, the clinical significance of this alteration remains unclear.

Fulgent Genetics
Classification: Uncertain significance for Hypertrophic cardiomyopathy 17; Cardiomyopathy, dilated, 2E. Last evaluated: 2021-10-04. Review status: criteria provided, single submitter. Criteria: ACMG Guidelines, 2015. Collection method: clinical testing. Allele origin: unknown.